The following is an entry in ClinVar:

ClinVar aggregate classification (germline): Pathogenic (1 of 4 stars; one submission).

Submission:

Labcorp Genetics (formerly Invitae), Labcorp
Classification: Pathogenic. Last evaluated: 2023-07-10. Review status: criteria provided, single submitter. Criteria: Invitae Variant Classification Sherloc (09022015). Collection method: clinical testing. Allele origin: germline.
Comment: This variant has not been reported in the literature in individuals affected with DRAM2-related conditions. This variant is a gross deletion of the genomic region encompassing exon(s) 6 of the DRAM2 gene. This deletion is out-of-frame, and is expected to create a premature termination codon and result in an absent or disrupted protein product. Loss-of-function variants in DRAM2 are known to be pathogenic (PMID: 25983245). For these reasons, this variant has been classified as Pathogenic.

Literature cited by the submitters: PubMed 25983245.

NC_000001.11:g.(?_111120496)_(111120713_?)del

Gene: DRAM2 (DNA damage regulated autophagy modulator 2; minus strand). Cytogenetic location: 1p13.3.
Variant type: Deletion.
Identifiers: ClinVar variation 833095 (VCV000833095.5).